The following is an entry in ClinVar:

ClinVar aggregate classification (germline): Uncertain significance (1 of 4 stars; one submission).

Allele frequency attached by ClinVar (database versions not stated): gnomAD 0.00001; gnomAD exomes 0.00001; TOPMed 0.00002.
gnomAD v4.1: 20 of 1,557,710 alleles (0.0013%); highest among the groups gnomAD compares: Admixed American, 0.029%; no homozygotes.

Submission:

Labcorp Genetics (formerly Invitae), Labcorp
Classification: Uncertain significance. Last evaluated: 2023-12-11. Review status: criteria provided, single submitter. Criteria: Invitae Variant Classification Sherloc (09022015). Collection method: clinical testing. Allele origin: germline.
Comment: This sequence change falls in intron 1 of the SNIP1 gene. It does not directly change the encoded amino acid sequence of the SNIP1 protein. It affects a nucleotide within the consensus splice site. This variant is present in population databases (rs764783143, gnomAD 0.04%). This variant has not been reported in the literature in individuals affected with SNIP1-related conditions. ClinVar contains an entry for this variant (Variation ID: 2057597). Variants that disrupt the consensus splice site are a relatively common cause of aberrant splicing (PMID: 17576681, 9536098). Algorithms developed to predict the effect of sequence changes on RNA splicing suggest that this variant is not likely to affect RNA splicing. In summary, the available evidence is currently insufficient to determine the role of this variant in disease. Therefore, it has been classified as a Variant of Uncertain Significance.

Literature cited by the submitters: PubMed 17576681; PubMed 9536098.

NM_024700.4(SNIP1):c.224+5G>C

Gene: SNIP1 (Smad nuclear interacting protein 1; minus strand). Cytogenetic location: 1p34.3.
Variant type: single nucleotide variant.
Coding change: c.224+5G>C on transcript NM_024700.4 (MANE Select); 5 bases into the intron after coding-DNA position 224, G replaced by C.
Molecular consequence: intron variant.
Genome position (GRCh38, 1-based): chr1:37,554,001, C>G on the plus strand (G>C on the coding strand, the complement: SNIP1 is on the minus strand). VCF-style: chr1-37554001-C-G. GRCh37 (hg19) VCF-style: chr1-38019602-C-G.
Identifiers: ClinVar variation 2057597 (VCV002057597.3), dbSNP rs764783143, ClinGen allele CA771408.